The following is an entry in ClinVar:

ClinVar aggregate classification (germline): Likely benign (0 of 4 stars; one submission).

Conditions:
TOP3A-related disorder. Also called: TOP3A-related disorders; TOP3A-related condition.

Allele frequency attached by ClinVar (database versions not stated): gnomAD exomes below 0.00001; TOPMed 0.00001; gnomAD 0.00005.
gnomAD v4.1: 11 of 1,610,192 alleles (0.00068%); highest among the groups gnomAD compares: African/African-American, 0.0094%; no homozygotes.

Submission:

PreventionGenetics, part of Exact Sciences
Classification: Likely benign for TOP3A-related condition. Last evaluated: 2019-04-24. Review status: no assertion criteria provided. Collection method: clinical testing. Allele origin: germline.
Comment: This variant is classified as likely benign based on ACMG/AMP sequence variant interpretation guidelines (Richards et al. 2015 PMID: 25741868, with internal and published modifications).

NM_004618.5(TOP3A):c.1512C>T (p.Thr504=)

Gene: TOP3A (DNA topoisomerase III alpha; minus strand). Cytogenetic location: 17p11.2.
Variant type: single nucleotide variant.
Coding change: c.1512C>T on transcript NM_004618.5 (MANE Select); coding-DNA position 1512, C replaced by T.
Protein change: p.Thr504=; no amino-acid change (threonine 504 retained).
Molecular consequence: synonymous variant.
Genome position (GRCh38, 1-based): chr17:18,290,642, G>A on the plus strand (C>T on the coding strand, the complement: TOP3A is on the minus strand). VCF-style: chr17-18290642-G-A. GRCh37 (hg19) VCF-style: chr17-18193956-G-A.
Other names: c.1227C>T, p.Thr409= (NM_001320759.2).
Identifiers: ClinVar variation 3047780 (VCV003047780.2), dbSNP rs1402318386, ClinGen allele CA498434451.
Genomic context (GRCh38, chr17:18,290,642, plus strand): 5'-AATGAGGTCGGCCTCGGTGAGCAGCTTGGGTGGGCTGGTCTCCCCGTCCACCATCTCCAC[G>A]GTGCTGGGCTGAAAGTGGGATCCTTGCTCATAGACAGGGAGGATCTACAGGGAGCGGCAG-3'
Protein context (NP_004609.1, residues 494-514): YEQGSHFQPS[Thr504=]VEMVDGETSP